The following is an entry in ClinVar:

NM_001134407.3(GRIN2A):c.1509A>G (p.Gln503=)

Gene: GRIN2A (glutamate ionotropic receptor NMDA type subunit 2A; minus strand). Cytogenetic location: 16p13.2.
Variant type: single nucleotide variant.
Coding change: c.1509A>G on transcript NM_001134407.3 (MANE Select); coding-DNA position 1509, A replaced by G.
Protein change: p.Gln503=; no amino-acid change (glutamine 503 retained).
Molecular consequence: synonymous variant.
Genome position (GRCh38, 1-based): chr16:9,840,789, T>C on the plus strand (A>G on the coding strand, the complement: GRIN2A is on the minus strand). VCF-style: chr16-9840789-T-C. GRCh37 (hg19) VCF-style: chr16-9934646-T-C.
Other names: c.1509A>G, p.Gln503= (NM_000833.5, NM_001134408.2).
Identifiers: ClinVar variation 512183 (VCV000512183.8), dbSNP rs1261235589, ClinGen allele CA493686380.

ClinVar aggregate classification (germline): Likely benign. Review status: criteria provided, multiple submitters, no conflicts (2 of 4 stars). 2 submissions from 2 submitters: Likely benign (2). Last evaluated 2025-05-07.

Conditions:
Landau-Kleffner syndrome (FESD). Also called: EPILEPSY, FOCAL, WITH SPEECH DISORDER AND WITH OR WITHOUT MENTAL RETARDATION; APHASIA, ACQUIRED, WITH EPILEPSY. Identifiers: Orphanet 1945, Orphanet 725, Orphanet 98818, MedGen C0282512, MONDO:0009509, OMIM 245570.

Allele frequency attached by ClinVar (database versions not stated): gnomAD exomes below 0.00001 and 0.00004; gnomAD 0.00005 and 0.00004; TOPMed 0.00003.
gnomAD v4.1: 58 of 1,603,806 alleles (0.0036%); highest among the groups gnomAD compares: Non-Finnish European, 0.0048%; no homozygotes.

Submissions (2):

Labcorp Genetics (formerly Invitae), Labcorp
Classification: Likely benign for Landau-Kleffner syndrome. Last evaluated: 2025-05-07. Review status: criteria provided, single submitter. Criteria: Invitae Variant Classification Sherloc (09022015). Collection method: clinical testing. Allele origin: germline.

GeneDx
Classification: Likely benign. Last evaluated: 2017-09-25. Review status: criteria provided, single submitter. Criteria: GeneDx Variant Classification (06012015). Collection method: clinical testing. Allele origin: germline. Affected: yes.
Comment: This variant is considered likely benign or benign based on one or more of the following criteria: it is a conservative change, it occurs at a poorly conserved position in the protein, it is predicted to be benign by multiple in silico algorithms, and/or has population frequency not consistent with disease.